The following is an entry in ClinVar:

ClinVar aggregate classification (germline): Uncertain significance (1 of 4 stars; one submission).

Submission:

Labcorp Genetics (formerly Invitae), Labcorp
Classification: Uncertain significance. Last evaluated: 2024-06-18. Review status: criteria provided, single submitter. Criteria: Invitae Variant Classification Sherloc (09022015). Collection method: clinical testing. Allele origin: germline.
Comment: This sequence change replaces serine, which is neutral and polar, with threonine, which is neutral and polar, at codon 1985 of the SON protein (p.Ser1985Thr). This variant is not present in population databases (gnomAD no frequency). This variant has not been reported in the literature in individuals affected with SON-related conditions. Experimental studies and prediction algorithms are not available or were not evaluated, and the functional significance of this variant is currently unknown. In summary, the available evidence is currently insufficient to determine the role of this variant in disease. Therefore, it has been classified as a Variant of Uncertain Significance.

NM_138927.4(SON):c.5954G>C (p.Ser1985Thr)

Gene: SON (SON DNA and RNA binding protein; plus strand). Cytogenetic location: 21q22.11.
Variant type: single nucleotide variant.
Coding change: c.5954G>C on transcript NM_138927.4 (MANE Select); coding-DNA position 5954, G replaced by C.
Protein change: p.Ser1985Thr; replaces serine 1985 with threonine.
Molecular consequence: missense variant. On other transcripts: non-coding transcript variant (1), intron variant (1).
Genome position (GRCh38, 1-based): chr21:33,555,185, G>C. VCF-style: chr21-33555185-G-C. GRCh37 (hg19) VCF-style: chr21-34927491-G-C.
Other names: c.5954G>C, p.Ser1985Thr (NM_001291411.2, NM_032195.3); c.245-1971G>C (NM_001291412.3); short protein forms S1985T.
Identifiers: ClinVar variation 3715031 (VCV003715031.2).